The following is an entry in ClinVar:

NM_001267550.2(TTN):c.5314A>G (p.Ser1772Gly)

Gene: TTN (titin; minus strand). Cytogenetic location: 2q31.2.
Variant type: single nucleotide variant.
Coding change: c.5314A>G on transcript NM_001267550.2 (MANE Select); coding-DNA position 5314, A replaced by G.
Protein change: p.Ser1772Gly; replaces serine 1772 with glycine.
Molecular consequence: missense variant.
Genome position (GRCh38, 1-based): chr2:178,776,550, T>C on the plus strand (A>G on the coding strand, the complement: TTN is on the minus strand). VCF-style: chr2-178776550-T-C. GRCh37 (hg19) VCF-style: chr2-179641277-T-C.
Other names: p.S1772G:AGT>GGT; c.5314A>G, p.Ser1772Gly (NM_001256850.1, NM_133378.4, NM_133379.5); c.5176A>G, p.Ser1726Gly (NM_003319.4, NM_133432.3, NM_133437.4); short protein forms S1772G, S1726G.
Identifiers: ClinVar variation 47166 (VCV000047166.18), dbSNP rs150725992, ClinGen allele CA140193.

ClinVar aggregate classification (germline): Conflicting classifications of pathogenicity. Review status: criteria provided, conflicting classifications (1 of 4 stars). 12 submissions from 8 submitters: Uncertain significance (11); Likely benign (1). Last evaluated 2026-08-05.

Conditions:
TTN-related disorder. Also called: TTN-related condition; TTN-related disease; TTN-related disorders.
Autosomal recessive limb-girdle muscular dystrophy type 2J (LGMDR10). Also called: Limb-girdle muscular dystrophy, type 2J; MUSCULAR DYSTROPHY, LIMB-GIRDLE, AUTOSOMAL RECESSIVE 10. Identifiers: Orphanet 140922, MedGen C1837342, MONDO:0012127, OMIM 608807.
Dilated cardiomyopathy 1G (CMD1G). Identifiers: Orphanet 154, MedGen C1858763, MONDO:0011400, OMIM 604145.
Hypertrophic cardiomyopathy 9. Also called: Familial hypertrophic cardiomyopathy 9. Identifiers: MedGen C1861065, MONDO:0013412, OMIM 613765.
Early-onset myopathy with fatal cardiomyopathy (CMYO5). Also called: Salih Myopathy; CONGENITAL MYOPATHY 5 WITH CARDIOMYOPATHY. Identifiers: Orphanet 289377, MedGen C2673677, MONDO:0012714, OMIM 611705. Disease mechanism: loss of function.
Myopathy, myofibrillar, 9, with early respiratory failure (MFM9). Also called: Hereditary myopathy with early respiratory failure; EDSTROM MYOPATHY; MYOPATHY, PROXIMAL, WITH EARLY RESPIRATORY MUSCLE INVOLVEMENT; Myopathy, distal, with early respiratory failure, autosomal dominant. Identifiers: Orphanet 178464, Orphanet 34521, MedGen C1863599, MONDO:0011362, OMIM 603689.
Tibial muscular dystrophy (TMD). Also called: Tibial muscular dystrophy, tardive; UDD MYOPATHY; Udd Distal Myopathy – Tibial Muscular Dystrophy. Identifiers: Orphanet 609, MedGen C1838244, MONDO:0010870, OMIM 600334.

Allele frequency attached by ClinVar (database versions not stated): gnomAD 0.00009; gnomAD exomes 0.00011 and 0.00018; TOPMed 0.00011; ExAC 0.00017; ESP Exome Variant Server 0.00031.
gnomAD v4.1: 262 of 1,612,108 alleles (0.016%); highest among the groups gnomAD compares: Non-Finnish European, 0.022%; no homozygotes.

Submissions (12):

PreventionGenetics, part of Exact Sciences
Classification: Uncertain significance for TTN-related condition. Last evaluated: 2026-08-05. Review status: criteria provided, single submitter. Criteria: ACMG Guidelines, 2015. Collection method: clinical testing. Allele origin: germline.
Comment: The TTN c.5314A>G variant is predicted to result in the amino acid substitution p.Ser1772Gly. To our knowledge, this variant has not been reported in the literature. This variant is reported in 0.022% of alleles in individuals of European (Non-Finnish) descent in gnomAD. Although we suspect that this variant may be benign, at this time, the clinical significance of this variant is uncertain due to the absence of conclusive functional and genetic evidence.

Women's Health and Genetics/Laboratory Corporation of America, LabCorp
Classification: Uncertain significance. Last evaluated: 2024-10-24. Review status: criteria provided, single submitter. Criteria: LabCorp Variant Classification Summary - May 2015. Collection method: clinical testing. Allele origin: germline.
Comment: Variant summary: TTN c.5314A>G (p.Ser1772Gly) results in a non-conservative amino acid change located in the near Z-disk / I-band region of the encoded protein sequence. Five of five in-silico tools predict a damaging effect of the variant on protein function. The variant allele was found at a frequency of 0.00011 in 249842 control chromosomes (gnomAD). This frequency is not significantly higher than estimated for a pathogenic variant in TTN causing Limb-Girdle Muscular Dystrophy, Type 2J, allowing no conclusion about variant significance. To our knowledge, no occurrence of c.5314A>G in individuals affected with Limb-Girdle Muscular Dystrophy, Type 2J and no experimental evidence demonstrating its impact on protein function have been reported. ClinVar contains an entry for this variant (Variation ID: 47166). Based on the evidence outlined above, the variant was classified as uncertain significance.

Revvity Omics, Revvity
Classification: Uncertain significance. Last evaluated: 2024-01-18. Review status: criteria provided, single submitter. Criteria: ACMG Guidelines, 2015. Collection method: clinical testing. Allele origin: germline.

New York Genome Center
Classification: Uncertain significance for Dilated cardiomyopathy 1G; Hypertrophic cardiomyopathy 9. Last evaluated: 2022-11-18. Review status: criteria provided, single submitter. Criteria: NYGC Assertion Criteria 2020. Collection method: clinical testing. Allele origin: germline. Observed: 1 heterozygote.

GeneDx
Classification: Likely benign. Last evaluated: 2018-08-22. Review status: criteria provided, single submitter. Criteria: GeneDx Variant Classification Process June 2021. Collection method: clinical testing. Allele origin: germline. Affected: yes.

Illumina Laboratory Services, Illumina
Classification: Uncertain significance for Tibial muscular dystrophy. Last evaluated: 2018-01-15. Review status: criteria provided, single submitter. Criteria: ICSL Variant Classification Criteria 13 December 2019. Collection method: clinical testing. Allele origin: germline.

Illumina Laboratory Services, Illumina
Classification: Uncertain significance for Early-onset myopathy with fatal cardiomyopathy. Last evaluated: 2018-01-15. Review status: criteria provided, single submitter. Criteria: ICSL Variant Classification Criteria 13 December 2019. Collection method: clinical testing. Allele origin: germline.

Illumina Laboratory Services, Illumina
Classification: Uncertain significance for Dilated cardiomyopathy 1G. Last evaluated: 2018-01-15. Review status: criteria provided, single submitter. Criteria: ICSL Variant Classification Criteria 13 December 2019. Collection method: clinical testing. Allele origin: germline.

Illumina Laboratory Services, Illumina
Classification: Uncertain significance for Myopathy, myofibrillar, 9, with early respiratory failure. Last evaluated: 2018-01-15. Review status: criteria provided, single submitter. Criteria: ICSL Variant Classification Criteria 13 December 2019. Collection method: clinical testing. Allele origin: germline.

Illumina Laboratory Services, Illumina
Classification: Uncertain significance for Autosomal recessive limb-girdle muscular dystrophy type 2J. Last evaluated: 2018-01-15. Review status: criteria provided, single submitter. Criteria: ICSL Variant Classification Criteria 13 December 2019. Collection method: clinical testing. Allele origin: germline.

Labcorp Genetics (formerly Invitae), Labcorp
Classification: Uncertain significance for Dilated cardiomyopathy 1G; Autosomal recessive limb-girdle muscular dystrophy type 2J. Last evaluated: 2017-08-14. Review status: criteria provided, single submitter. Criteria: Invitae Variant Classification Sherloc (09022015). Collection method: clinical testing. Allele origin: germline.

Laboratory for Molecular Medicine, Mass General Brigham Personalized Medicine
Classification: Uncertain significance. Last evaluated: 2011-12-09. Review status: criteria provided, single submitter. Criteria: LMM Criteria. Collection method: clinical testing. Allele origin: germline. Observed: 1 variant allele.
Comment: The Ser1772Gly variant (TTN) has not been previously reported in the literature nor previously identified by our laboratory, but has been listed in dbSNP (rs150 725992) in 0.07% (5/7020) of Caucasian chromosomes from a clinical cohort that i ncluded individuals with heart disease. Serine (Ser) at position 1772 is highly conserved in evolutionarily distant species, increasing the likelihood that a ch ange may not be tolerated. Computational tools are mixed on the predicted impact to the protein (AlignGVGD = benign, SIFT = pathogenic), though the accuracy of these tools is unclear. Additional information is needed to assess the clinical significance of this variant.